The following is an entry in ClinVar:

NM_001353345.2(SETD1B):c.4059G>T (p.Glu1353Asp)

Gene: SETD1B (SET domain containing 1B, histone lysine methyltransferase; plus strand). Cytogenetic location: 12q24.31.
Variant type: single nucleotide variant.
Coding change: c.4059G>T on transcript NM_001353345.2 (MANE Select); coding-DNA position 4059, G replaced by T.
Protein change: p.Glu1353Asp; replaces glutamic acid 1353 with aspartic acid.
Molecular consequence: missense variant.
Genome position (GRCh38, 1-based): chr12:121,822,638, G>T. VCF-style: chr12-121822638-G-T. GRCh37 (hg19) VCF-style: chr12-122260544-G-T.
Other names: NM_015048.1:c.3930G>T; short protein forms E1353D.
Identifiers: ClinVar variation 2630184 (VCV002630184.1), dbSNP rs1480575920, ClinGen allele CA386998246.

ClinVar aggregate classification (germline): Uncertain significance (1 of 4 stars; one submission).

Conditions:
SETD1B-related disorder. Also called: SETD1B-related condition.

Submission:

PreventionGenetics, part of Exact Sciences
Classification: Uncertain significance for SETD1B-related condition. Last evaluated: 2023-03-16. Review status: criteria provided, single submitter. Criteria: ACMG Guidelines, 2015. Collection method: clinical testing. Allele origin: germline.
Comment: The SETD1B c.3930G>T variant is predicted to result in the amino acid substitution p.Glu1310Asp. To our knowledge, this variant has not been reported in the literature or in a large population database, indicating this variant is rare. At this time, the clinical significance of this variant is uncertain due to the absence of conclusive functional and genetic evidence.